The following is an entry in ClinVar:

ClinVar aggregate classification (germline): Pathogenic (1 of 4 stars; one submission).

Conditions:
Autosomal recessive nonsyndromic hearing loss 79. Identifiers: Orphanet 90636, MedGen C2750082, MONDO:0013215, OMIM 613307.

Submission:

Human Genetics Bochum, Ruhr University Bochum
Classification: Pathogenic for Autosomal recessive nonsyndromic hearing loss 79. Last evaluated: 2025-09-22. Review status: criteria provided, single submitter. Criteria: ACMG Guidelines, 2015. Collection method: clinical testing. Allele origin: germline. Affected: yes.
Comment: in homozygous state; ACMG criteria used to clasify this variant: PVS1, PM3, PM2_SUP

NM_001128228.3(TPRN):c.412del (p.Glu138fs)

Gene: TPRN (taperin; minus strand). Cytogenetic location: 9q34.3.
Variant type: Deletion.
Coding change: c.412del on transcript NM_001128228.3 (MANE Select); coding-DNA position 412, one base deleted (G; older notation c.412delG).
Protein change: p.Glu138fs; shifts the reading frame from glutamic acid 138.
Molecular consequence: frameshift variant.
Genome position (GRCh38, 1-based): chr9:137,200,300, C deleted on the plus strand (G on the coding strand, the reverse complement: TPRN is on the minus strand); the first of 2 consecutive C bases (chr9:137,200,300-137,200,301); deleting either gives the same sequence. VCF-style (leftmost placement, unchanged base first): chr9-137200299-TC-T. GRCh37 (hg19) VCF-style: chr9-140094751-TC-T.
Other names: short protein forms E138fs.
Identifiers: ClinVar variation 4687959 (VCV004687959.1).